The following is an entry in ClinVar:

ClinVar aggregate classification (germline): Uncertain significance (1 of 4 stars; one submission).

Submission:

Ambry Genetics
Classification: Uncertain significance. Last evaluated: 2022-07-13. Review status: criteria provided, single submitter. Criteria: Ambry Variant Classification Scheme 2023. Collection method: clinical testing. Allele origin: germline.
Comment: The p.D1357N variant (also known as c.4069G>A), located in coding exon 37 of the KIF1B gene, results from a G to A substitution at nucleotide position 4069. The aspartic acid at codon 1357 is replaced by asparagine, an amino acid with highly similar properties. This amino acid position is conserved. In addition, the in silico prediction for this alteration is inconclusive. Since supporting evidence is limited at this time, the clinical significance of this alteration remains unclear.

NM_001365951.3(KIF1B):c.4207G>A (p.Asp1403Asn)

Gene: KIF1B (kinesin family member 1B; plus strand). Cytogenetic location: 1p36.22.
Variant type: single nucleotide variant.
Coding change: c.4207G>A on transcript NM_001365951.3 (MANE Select); coding-DNA position 4207, G replaced by A.
Protein change: p.Asp1403Asn; replaces aspartic acid 1403 with asparagine.
Molecular consequence: missense variant.
Genome position (GRCh38, 1-based): chr1:10,361,728, G>A. VCF-style: chr1-10361728-G-A. GRCh37 (hg19) VCF-style: chr1-10421786-G-A.
Other names: c.4207G>A, p.Asp1403Asn (NM_001365952.1); c.4069G>A, p.Asp1357Asn (NM_015074.3); short protein forms D1403N, D1357N.
Identifiers: ClinVar variation 1737522 (VCV001737522.2), dbSNP rs2521885692, ClinGen allele CA338317230.